The following is an entry in ClinVar:

NM_000308.4(CTSA):c.692+6G>A

Gene: CTSA (cathepsin A; plus strand). Cytogenetic location: 20q13.12.
Variant type: single nucleotide variant.
Coding change: c.692+6G>A on transcript NM_000308.4 (MANE Select); 6 bases into the intron after coding-DNA position 692, G replaced by A.
Molecular consequence: intron variant.
Genome position (GRCh38, 1-based): chr20:45,893,317, G>A. VCF-style: chr20-45893317-G-A. GRCh37 (hg19) VCF-style: chr20-44521956-G-A.
Other names: c.692+6G>A (NM_001127695.3); c.641+6G>A (NM_001167594.3).
Identifiers: ClinVar variation 1363884 (VCV001363884.3), dbSNP rs199997385, ClinGen allele CA9883111.

ClinVar aggregate classification (germline): Uncertain significance (1 of 4 stars; one submission).

Conditions:
Combined deficiency of sialidase AND beta galactosidase (GSL). Also called: CATHEPSIN A DEFICIENCY; GOLDBERG SYNDROME; Galactosialidosis; NEURAMINIDASE DEFICIENCY WITH BETA-GALACTOSIDASE DEFICIENCY; NEURAMINIDASE/BETA-GALACTOSIDASE EXPRESSION; PPCA DEFICIENCY. Identifiers: Orphanet 351, MedGen C0268233, MONDO:0009737, OMIM 256540.

Allele frequency attached by ClinVar (database versions not stated): gnomAD exomes below 0.00001; ExAC 0.00001; gnomAD 0.00001 and 0.00002; 1000 Genomes Project 0.00020; 1000 Genomes Project 30x 0.00031.
gnomAD v4.1: 9 of 1,608,224 alleles (0.00056%); highest among the groups gnomAD compares: Admixed American, 0.01%; no homozygotes.

Submission:

Labcorp Genetics (formerly Invitae), Labcorp
Classification: Uncertain significance for Combined deficiency of sialidase AND beta galactosidase. Last evaluated: 2021-04-12. Review status: criteria provided, single submitter. Criteria: Invitae Variant Classification Sherloc (09022015). Collection method: clinical testing. Allele origin: germline.
Comment: This sequence change falls in intron 7 of the CTSA gene. It does not directly change the encoded amino acid sequence of the CTSA protein. It affects a nucleotide within the consensus splice site of the intron. This variant is present in population databases (rs199997385, ExAC 0.009%). This variant has not been reported in the literature in individuals with CTSA-related conditions. Nucleotide substitutions within the consensus splice site are a relatively common cause of aberrant splicing (PMID: 17576681, 9536098). Experimental studies and prediction algorithms are not available or were not evaluated, and the effect of this variant on mRNA splicing is currently unknown. In summary, the available evidence is currently insufficient to determine the role of this variant in disease. Therefore, it has been classified as a Variant of Uncertain Significance.

Literature cited by the submitters: PubMed 17576681; PubMed 9536098.